The following is an entry in ClinVar:

ClinVar aggregate classification (germline): Conflicting classifications of pathogenicity. Review status: criteria provided, conflicting classifications (1 of 4 stars). 3 submissions from 3 submitters: Likely pathogenic (2); Uncertain significance (1). Last evaluated 2024-02-14.

Conditions:
Aplastic anemia. Identifiers: Orphanet 182040, Orphanet 88, MedGen C0002874, MONDO:0015909, OMIM 609135, HP:0001915.
Microcephaly, normal intelligence and immunodeficiency (NBS). Also called: IMMUNODEFICIENCY, MICROCEPHALY, AND CHROMOSOMAL INSTABILITY; SEEMANOVA SYNDROME II; Nijmegen breakage syndrome; Microcephaly with normal intelligence immunodeficiency and lymphoreticular malignancies; Nonsyndromal microcephaly autosomal recessive with normal intelligence; Seemanova syndrome 2. Identifiers: Orphanet 647, MedGen C0398791, MONDO:0009623, OMIM 251260.
Hereditary cancer-predisposing syndrome. Also called: Tumor predisposition; Neoplastic Syndromes, Hereditary; Hereditary Cancer Syndrome; Hereditary neoplastic syndrome. Identifiers: Orphanet 140162, MedGen C0027672, MeSH D009386, MONDO:0015356.

Allele frequency attached by ClinVar (database versions not stated): gnomAD exomes below 0.00001; TOPMed below 0.00001; ExAC 0.00002.
gnomAD v4.1: 2 of 1,613,214 alleles (0.00012%); highest among the groups gnomAD compares: East Asian, 0.0022%; no homozygotes.

Submissions (3):

Ambry Genetics
Classification: Uncertain significance for Hereditary cancer-predisposing syndrome. Last evaluated: 2024-02-14. Review status: criteria provided, single submitter. Criteria: Ambry Variant Classification Scheme 2023. Collection method: clinical testing. Allele origin: germline.
Comment: The c.1397+1G>A intronic variant results from a G to A substitution one nucleotide after coding exon 10 of the NBN gene. Alterations that disrupt the canonical splice site are expected to result in aberrant splicing. In silico splice site analysis predicts that this alteration will weaken the native splice donor site. The resulting transcript is predicted to be in-frame and is not expected to trigger nonsense-mediated mRNAdecay; however, direct evidence is unavailable. The exact functional effect of the altered amino acid sequence is unknown. This nucleotide position is highly conserved in available vertebrate species. Based on the available evidence, the clinical significance of this alteration remains unclear.

Baylor Genetics
Classification: Likely pathogenic for Aplastic anemia. Last evaluated: 2023-05-20. Review status: criteria provided, single submitter. Criteria: ACMG Guidelines, 2015. Collection method: clinical testing. Allele origin: unknown.

Labcorp Genetics (formerly Invitae), Labcorp
Classification: Likely pathogenic for Microcephaly, normal intelligence and immunodeficiency. Last evaluated: 2023-02-16. Review status: criteria provided, single submitter. Criteria: Invitae Variant Classification Sherloc (09022015). Collection method: clinical testing. Allele origin: germline.
Comment: This sequence change affects a donor splice site in intron 10 of the NBN gene. It is expected to disrupt RNA splicing. Variants that disrupt the donor or acceptor splice site typically lead to a loss of protein function (PMID: 16199547), and loss-of-function variants in NBN are known to be pathogenic (PMID: 9590180, 16415040). This variant is present in population databases (rs774256651, gnomAD 0.003%). In summary, the currently available evidence indicates that the variant is pathogenic, but additional data are needed to prove that conclusively. Therefore, this variant has been classified as Likely Pathogenic. Algorithms developed to predict the effect of sequence changes on RNA splicing suggest that this variant may disrupt the consensus splice site. This variant has not been reported in the literature in individuals affected with NBN-related conditions.

Literature cited by the submitters: PubMed 16199547 (cited by Labcorp Genetics (formerly Invitae), Labcorp); PubMed 9590180 (cited by Labcorp Genetics (formerly Invitae), Labcorp); PubMed 16415040 (cited by Labcorp Genetics (formerly Invitae), Labcorp).

NM_002485.5(NBN):c.1397+1G>A

Gene: NBN (nibrin; minus strand). Cytogenetic location: 8q21.3.
Variant type: single nucleotide variant.
Coding change: c.1397+1G>A on transcript NM_002485.5 (MANE Select); the canonical splice donor site of the intron after coding-DNA position 1397, G replaced by A.
Molecular consequence: splice donor variant.
Genome position (GRCh38, 1-based): chr8:89,955,282, C>T on the plus strand (G>A on the coding strand, the complement: NBN is on the minus strand). VCF-style: chr8-89955282-C-T. GRCh37 (hg19) VCF-style: chr8-90967510-C-T.
Other names: c.1397+1G>A (NM_002485.4); c.1151+1G>A (NM_001024688.3).
Identifiers: ClinVar variation 2676946 (VCV002676946.5), dbSNP rs774256651, ClinGen allele CA4802757.